The following is an entry in ClinVar:

NM_001853.4(COL9A3):c.1905C>T (p.Asp635=)

Gene: COL9A3 (collagen type IX alpha 3 chain; plus strand). Cytogenetic location: 20q13.33.
Variant type: single nucleotide variant.
Coding change: c.1905C>T on transcript NM_001853.4 (MANE Select); coding-DNA position 1905, C replaced by T.
Protein change: p.Asp635=; no amino-acid change (aspartic acid 635 retained).
Molecular consequence: synonymous variant.
Genome position (GRCh38, 1-based): chr20:62,840,582, C>T. VCF-style: chr20-62840582-C-T. GRCh37 (hg19) VCF-style: chr20-61471934-C-T.
Identifiers: ClinVar variation 2652510 (VCV002652510.28), dbSNP rs767642504, ClinGen allele CA9950257.

ClinVar aggregate classification (germline): Likely benign. Review status: criteria provided, multiple submitters, no conflicts (2 of 4 stars). 3 submissions from 3 submitters: Likely benign (3). Last evaluated 2024-07-15.

Allele frequency attached by ClinVar (database versions not stated): ExAC 0.00002; gnomAD exomes 0.00002; gnomAD 0.00003; TOPMed 0.00003.
gnomAD v4.1: 26 of 1,612,798 alleles (0.0016%); highest among the groups gnomAD compares: Non-Finnish European, 0.0021%; no homozygotes.

Submissions (3):

Labcorp Genetics (formerly Invitae), Labcorp
Classification: Likely benign. Last evaluated: 2024-07-15. Review status: criteria provided, single submitter. Criteria: Invitae Variant Classification Sherloc (09022015). Collection method: clinical testing. Allele origin: germline.

CeGaT Center for Human Genetics Tuebingen
Classification: Likely benign. Last evaluated: 2023-01-01. Review status: criteria provided, single submitter. Criteria: CeGaT Center For Human Genetics Tuebingen Variant Classification Criteria Version 2. Collection method: clinical testing. Allele origin: germline. Affected: yes. Observed: 1 variant allele.
Comment: COL9A3: BP4, BP7

Blueprint Genetics
Classification: Likely benign. Last evaluated: 2019-04-24. Review status: criteria provided, single submitter. Criteria: ACMG Guidelines, 2015. Collection method: clinical testing. Allele origin: germline.